The following is an entry in ClinVar:

ClinVar aggregate classification (germline): Pathogenic (1 of 4 stars; one submission).

Conditions:
Intellectual disability, autosomal recessive 53 (NEDHSCA). Also called: GLYCOSYLPHOSPHATIDYLINOSITOL BIOSYNTHESIS DEFECT 13; Mental retardation, autosomal recessive 53; NEURODEVELOPMENTAL DISORDER WITH OR WITHOUT HYPOTONIA, SEIZURES, AND CEREBELLAR ATROPHY. Identifiers: Orphanet 488635, MedGen C4310794, MONDO:0014832, OMIM 616917.

Submission:

Labcorp Genetics (formerly Invitae), Labcorp
Classification: Pathogenic for Intellectual disability, autosomal recessive 53. Last evaluated: 2025-03-29. Review status: criteria provided, single submitter. Criteria: Invitae Variant Classification Sherloc (09022015). Collection method: clinical testing. Allele origin: germline.
Comment: This sequence change creates a premature translational stop signal (p.Tyr763Cysfs*16) in the PIGG gene. It is expected to result in an absent or disrupted protein product. Loss-of-function variants in PIGG are known to be pathogenic (PMID: 26996948, 28581210, 28771251). This variant is not present in population databases (gnomAD no frequency). This variant has not been reported in the literature in individuals affected with PIGG-related conditions. ClinVar contains an entry for this variant (Variation ID: 1070070). For these reasons, this variant has been classified as Pathogenic.

Literature cited by the submitters: PubMed 26996948; PubMed 28581210; PubMed 28771251.

NM_001127178.3(PIGG):c.2288_2289del (p.Tyr763fs)

Gene: PIGG (phosphatidylinositol glycan anchor biosynthesis class G (EMM blood group); plus strand). Cytogenetic location: 4p16.3.
Variant type: Deletion.
Coding change: c.2288_2289del on transcript NM_001127178.3 (MANE Select); coding-DNA positions 2288 to 2289, 2 bases deleted (AT; older notation c.2288_2289delAT).
Protein change: p.Tyr763fs; shifts the reading frame from tyrosine 763.
Molecular consequence: frameshift variant. On other transcripts: non-coding transcript variant (6).
Genome position (GRCh38, 1-based): chr4:530,462-530,463, AT deleted; deleting any 2 consecutive bases within chr4:530,461-530,463 gives the same sequence; the c. name uses the placement nearest the transcript's 3' end. VCF-style (leftmost placement, unchanged base first): chr4-530460-TTA-T. GRCh37 (hg19) VCF-style: chr4-524249-TTA-T.
Other names: c.2021_2022del, p.Tyr674fs (NM_001289051.2, NM_001345986.2); c.1889_1890del, p.Tyr630fs (NM_001289052.2); c.1997_1998del, p.Tyr666fs (NM_001345987.2); c.1259_1260del, p.Tyr420fs (NM_001345988.2); c.755_756del, p.Tyr252fs (NM_001345990.2, NM_001345991.2); c.1190_1191del, p.Tyr397fs (NM_001345994.2); c.2264_2265del, p.Tyr755fs (NM_017733.5); short protein forms Y252fs, Y397fs, Y420fs, Y630fs, Y666fs, Y674fs, Y755fs, Y763fs.
Identifiers: ClinVar variation 1070070 (VCV001070070.9), dbSNP rs1728769445, ClinGen allele CA1432795226.